The following is an entry in ClinVar:

ClinVar aggregate classification (germline): Pathogenic (1 of 4 stars; one submission).

Conditions:
Neuromuscular disease caused by qualitative or quantitative defects of dystrophin. Also called: Qualitative or quantitative defects of dystrophin. Identifiers: Orphanet 207085, MedGen C5679787, MONDO:0016147.

Submission:

Women's Health and Genetics/Laboratory Corporation of America, LabCorp
Classification: Pathogenic for Neuromuscular disease caused by qualitative or quantitative defects of dystrophin. Last evaluated: 2021-04-22. Review status: criteria provided, single submitter. Criteria: LabCorp Variant Classification Summary - May 2015. Collection method: clinical testing. Allele origin: germline.
Comment: Variant summary: The variant identified by MLPA or other technology involves the deletion of exons 18-41 in the DMD gene. A presumed nomenclature of c.(2168+1_2169-1)_(5922+1_5923-1)del has been designated for the purposes of this classification. Although exact breakpoints of this deletion are not known, it is expected to result in a frameshift in the DMD gene, a known mechanism of disease. The variant was absent in 16120 control chromosomes (gnomAD SV database). c.(2168+1_2169-1)_(5922+1_5923-1)del has been reported in the literature in individuals affected with Duchenne Muscular Dystrophy (e.g. Flanigan_2009, Zhang_2019, Ling_2020). Additionally, this variant has been reported in six patients with unspecified DMD-related phenotype in the UMD database. These data indicate that the variant is likely to be associated with disease. To our knowledge, no experimental evidence demonstrating an impact on protein function has been reported. One ClinVar submitter (evaluation after 2014) cites the variant as pathogenic. Based on the evidence outlined above, the variant was classified as pathogenic.

Literature cited by the submitters: PubMed 19937601; PubMed 31705731; PubMed 31727011.

NC_000023.10:g.(32328394_32360216)_(32536249_32563275)del

Gene: DMD (dystrophin; minus strand). Cytogenetic location: Xp21.1.
Variant type: Deletion.
Identifiers: ClinVar variation 1098782 (VCV001098782.1).